The following is an entry in ClinVar:

ClinVar aggregate classification (germline): Pathogenic. Review status: criteria provided, multiple submitters, no conflicts (2 of 4 stars). 2 submissions from 2 submitters: Pathogenic (2). Last evaluated 2025-11-24.

Conditions:
Hereditary diffuse gastric adenocarcinoma (HDGC). Also called: DIFFUSE GASTRIC AND LOBULAR BREAST CANCER SYNDROME. Identifiers: Orphanet 26106, MedGen C1708349, MONDO:0007648, OMIM 137215.

Submissions (2):

Labcorp Genetics (formerly Invitae), Labcorp
Classification: Pathogenic. Last evaluated: 2025-11-24. Review status: criteria provided, single submitter. Criteria: Invitae Variant Classification Sherloc (09022015). Collection method: clinical testing. Allele origin: germline.
Comment: This sequence change creates a premature translational stop signal (p.Glu444Glyfs*23) in the CTNNA1 gene. It is expected to result in an absent or disrupted protein product. Loss-of-function variants in CTNNA1 are known to be pathogenic (PMID: 32051609, 34425242). This variant is not present in population databases (gnomAD no frequency). This variant has not been reported in the literature in individuals affected with CTNNA1-related conditions. ClinVar contains an entry for this variant (Variation ID: 849700). For these reasons, this variant has been classified as Pathogenic.

Myriad Genetics, Inc.
Classification: Pathogenic for Hereditary diffuse gastric adenocarcinoma. Last evaluated: 2023-07-05. Review status: criteria provided, single submitter. Criteria: Myriad Autosomal Dominant, Autosomal Recessive and X-Linked Classification Criteria (2023). Collection method: clinical testing. Allele origin: unknown.
Comment: This variant is considered pathogenic. This variant creates a frameshift predicted to result in premature protein truncation.

Literature cited by the submitters: PubMed 32051609 (cited by Labcorp Genetics (formerly Invitae), Labcorp); PubMed 34425242 (cited by Labcorp Genetics (formerly Invitae), Labcorp).

NM_001903.5(CTNNA1):c.1330dup (p.Glu444fs)

Gene: CTNNA1 (catenin alpha 1; plus strand). Cytogenetic location: 5q31.2.
Variant type: Duplication.
Coding change: c.1330dup on transcript NM_001903.5 (MANE Select); coding-DNA position 1330, one base duplicated (G; older notation c.1330dupG).
Protein change: p.Glu444fs; shifts the reading frame from glutamic acid 444.
Molecular consequence: frameshift variant. On other transcripts: intron variant (3), 5 prime UTR variant (6).
Genome position (GRCh38, 1-based): chr5:138,904,382, G duplicated. VCF-style (leftmost placement, unchanged base first): chr5-138904381-T-TG. GRCh37 (hg19) VCF-style: chr5-138240070-T-TG.
Other names: c.1330dup, p.Glu444fs (NM_001290307.3, NM_001323982.2, NM_001323983.1 and 2 more transcripts); c.1021dup, p.Glu341fs (NM_001290309.3); c.961dup, p.Glu321fs (NM_001290310.3); c.220dup, p.Glu74fs (NM_001290312.1, NM_001323987.1, NM_001323988.1 and 17 more transcripts); c.-60-13360dup (NM_001324010.1); c.-178dup (NM_001324006.1, NM_001324007.1, NM_001324008.1 and 1 more transcripts); c.-24dup (NM_001324012.1, NM_001324013.1); c.1297-13360dup (NM_001323986.2); and 1 more; short protein forms E341fs, E444fs, E321fs, E74fs.
Identifiers: ClinVar variation 849700 (VCV000849700.8), dbSNP rs1758714268, ClinGen allele CA916082774.
Genomic context (GRCh38, chr5:138,904,381, plus strand): 5'-CTTTAAAGATTATTTTTTATGTTTATAGGTTGCCAACTTGGCCTGTTCCATCTCAAATAA[T>TG]GAAGAAGGTGTAAAGCTTGTTCGAATGTCTGCAAGCCAGTTAGAAGCCCTCTGTCCTCAG-3'